The following is an entry in ClinVar:

NM_000238.4(KCNH2):c.173A>C (p.Glu58Ala)

Gene: KCNH2 (potassium voltage-gated channel subfamily H member 2; minus strand). Cytogenetic location: 7q36.1.
Variant type: single nucleotide variant.
Coding change: c.173A>C on transcript NM_000238.4 (MANE Select); coding-DNA position 173, A replaced by C.
Protein change: p.Glu58Ala; replaces glutamic acid 58 with alanine.
Molecular consequence: missense variant.
Genome position (GRCh38, 1-based): chr7:150,974,845, T>G on the plus strand (A>C on the coding strand, the complement: KCNH2 is on the minus strand). VCF-style: chr7-150974845-T-G. GRCh37 (hg19) VCF-style: chr7-150671933-T-G.
Other names: c.173A>C (LRG_288t1); c.-5A>C (NM_001406755.1); c.173A>C, p.Glu58Ala (NM_172056.3); short protein forms E58A.
Identifiers: ClinVar variation 67256 (VCV000067256.3), dbSNP rs199472847, ClinGen allele CA005322.

ClinVar aggregate classification (germline): not provided (0 of 4 stars; one submission).

Conditions:
Familial long QT syndrome (RWS). Also called: Congenital long QT syndrome; Romano-Ward syndrome; VENTRICULAR FIBRILLATION WITH PROLONGED QT INTERVAL. Identifiers: Orphanet 768, MedGen C1141890, MONDO:0019171.

Submission:

Cardiovascular Biomedical Research Unit, Royal Brompton & Harefield NHS Foundation Trust
No classification provided. Condition: Familial long QT syndrome. Review status: no classification provided. Collection method: literature only. Allele origin: germline.
Comment: This variant has been reported as associated with Long QT syndrome in the following publications (PMID:16414944). This is a literature report, and does not necessarily reflect the clinical interpretation of the Imperial College / Royal Brompton Cardiovascular Genetics laboratory.

Literature cited by the submitters: PubMed 16414944; PubMed 22581653.